The following is an entry in ClinVar:

ClinVar aggregate classification (germline): Conflicting classifications of pathogenicity. Review status: criteria provided, conflicting classifications (1 of 4 stars). 5 submissions from 5 submitters: Uncertain significance (3); Likely benign (1). 1 of the submissions does not count toward it. Last evaluated 2024-02-21.

Conditions:
HYPERHOMOCYSTEINEMIA, THROMBOTIC, CBS-RELATED. Identifiers: MedGen C3150344, OMIM 236200.
Familial thoracic aortic aneurysm and aortic dissection (TAAD). Also called: Thoracic aortic aneurysms and dissections. Identifiers: Orphanet 91387, MedGen C4707243, MONDO:0019625.
Classic homocystinuria. Also called: Homocystinuria due to Cystathionine Beta-Synthase Deficiency; Homocystinuria due to CBS deficiency; Cystathionine beta-synthase deficiency; CBS deficiency; HOMOCYSTINURIA WITH OR WITHOUT RESPONSE TO PYRIDOXINE. Identifiers: Orphanet 394, MedGen C0751202, MONDO:0009352, OMIM 236200.

Allele frequency attached by ClinVar (database versions not stated): ExAC 0.00009; gnomAD exomes 0.00004; gnomAD 0.00006.

Submissions (5):

Ambry Genetics
Classification: Likely benign for Familial thoracic aortic aneurysm and aortic dissection. Last evaluated: 2024-02-21. Review status: criteria provided, single submitter. Criteria: Ambry Variant Classification Scheme 2023. Collection method: clinical testing. Allele origin: germline.

Labcorp Genetics (formerly Invitae), Labcorp
Classification: Uncertain significance for HYPERHOMOCYSTEINEMIA, THROMBOTIC, CBS-RELATED. Last evaluated: 2022-10-23. Review status: criteria provided, single submitter. Criteria: Invitae Variant Classification Sherloc (09022015). Collection method: clinical testing. Allele origin: germline.
Comment: This sequence change replaces arginine, which is basic and polar, with histidine, which is basic and polar, at codon 491 of the CBS protein (p.Arg491His). The frequency data for this variant in the population databases is considered unreliable, as metrics indicate poor data quality at this position in the gnomAD database. This variant has not been reported in the literature in individuals affected with CBS-related conditions. ClinVar contains an entry for this variant (Variation ID: 263326). Advanced modeling of protein sequence and biophysical properties (such as structural, functional, and spatial information, amino acid conservation, physicochemical variation, residue mobility, and thermodynamic stability) performed at Invitae indicates that this missense variant is not expected to disrupt CBS protein function. In summary, the available evidence is currently insufficient to determine the role of this variant in disease. Therefore, it has been classified as a Variant of Uncertain Significance.

Fulgent Genetics
Classification: Uncertain significance for Classic homocystinuria. Last evaluated: 2022-01-28. Review status: criteria provided, single submitter. Criteria: ACMG Guidelines, 2015. Collection method: clinical testing. Allele origin: unknown.

GeneDx
Classification: Uncertain significance. Last evaluated: 2017-03-08. Review status: criteria provided, single submitter. Criteria: GeneDx Variant Classification (06012015). Collection method: clinical testing. Allele origin: germline. Affected: yes.
Comment: A variant of uncertain significance has been identified in the CBS gene. The R491H variant has not been published as pathogenic or been reported as benign to our knowledge. Additionally, this variant is not observed in large population cohorts (Lek et al., 2016; 1000 Genomes Consortium et al., 2015; Exome Variant Server). However, the R491H variant is a conservative amino acid substitution, which is not likely to impact secondary protein structure as these residues share similar properties. Additionally, this substitution occurs at a position that is not conserved across species and histidine (H) is the wild-type residue at this position in multiple species. In silico analysis predicts this variant likely does not alter the protein structure/function. Furthermore, although a missense variant at the same residue in the CBS gene (R491C) has been previously reported in association with homocystinuria (Kraus et al., 1999), the clinical significance of this variant also remains to be definitively determined. Finally, R491H is classified as a variant of uncertain significance in ClinVar by another clinical laboratory (ClinVar SCV000317330.1; Landrum et al., 2016).

Natera, Inc.
Classification: Uncertain significance for Homocystinuria due to cystathionine beta-synthase deficiency. Last evaluated: 2020-02-21. Review status: no assertion criteria provided. Collection method: clinical testing. Allele origin: germline. Not counted in ClinVar's aggregate classification.

NM_000071.3(CBS):c.1472G>A (p.Arg491His)

Gene: CBS (cystathionine beta-synthase; minus strand). Cytogenetic location: 21q22.3.
Variant type: single nucleotide variant.
Coding change: c.1472G>A on transcript NM_000071.3 (MANE Select); coding-DNA position 1472, G replaced by A.
Protein change: p.Arg491His; replaces arginine 491 with histidine.
Molecular consequence: missense variant.
Genome position (GRCh38, 1-based): chr21:43,056,883, C>T on the plus strand (G>A on the coding strand, the complement: CBS is on the minus strand). VCF-style: chr21-43056883-C-T. GRCh37 (hg19) VCF-style: chr21-44476993-C-T.
Other names: c.1472G>A, p.Arg491His (NM_001178008.3, NM_001178009.3, NM_001320298.2); c.1157G>A, p.Arg386His (NM_001321072.1); short protein forms R491H, R386H.
Identifiers: ClinVar variation 263326 (VCV000263326.12), dbSNP rs747419767, ClinGen allele CA10587936.